The following is an entry in ClinVar:

NM_001165963.4(SCN1A):c.1645T>G (p.Tyr549Asp)

Gene: SCN1A (sodium voltage-gated channel alpha subunit 1; minus strand). Cytogenetic location: 2q24.3.
Variant type: single nucleotide variant.
Coding change: c.1645T>G on transcript NM_001165963.4 (MANE Select); coding-DNA position 1645, T replaced by G.
Protein change: p.Tyr549Asp; replaces tyrosine 549 with aspartic acid.
Molecular consequence: missense variant. On other transcripts: 5 prime UTR variant (1), non-coding transcript variant (1).
Genome position (GRCh38, 1-based): chr2:166,045,060, A>C on the plus strand (T>G on the coding strand, the complement: SCN1A is on the minus strand). VCF-style: chr2-166045060-A-C. GRCh37 (hg19) VCF-style: chr2-166901570-A-C.
Other names: c.1645T>G, p.Tyr549Asp (NM_001165964.3, NM_001202435.3, NM_001353948.2 and 7 more transcripts); c.1642T>G, p.Tyr548Asp (NM_001353954.2, NM_001353955.2, NM_001353960.2); c.-781T>G (NM_001353961.2); short protein forms Y549D, Y548D.
Identifiers: ClinVar variation 4795621 (VCV004795621.1).

ClinVar aggregate classification (germline): Uncertain significance (1 of 4 stars; one submission).

Submission:

GeneDx
Classification: Uncertain significance. Last evaluated: 2025-08-07. Review status: criteria provided, single submitter. Criteria: GeneDx Variant Classification Process June 2021. Collection method: clinical testing. Allele origin: germline. Affected: yes.
Comment: Not observed at significant frequency in large population cohorts (gnomAD); In silico analysis supports that this missense variant has a deleterious effect on protein structure/function; Has not been previously published as pathogenic or benign to our knowledge; This substitution is predicted to be within the cytoplasmic loop between the first and second homologous domains